The following is an entry in ClinVar:

NM_152618.3(BBS12):c.1404_1411del (p.Val469fs)

Gene: BBS12 (Bardet-Biedl syndrome 12; plus strand). Cytogenetic location: 4q27.
Variant type: Deletion.
Coding change: c.1404_1411del on transcript NM_152618.3 (MANE Select); coding-DNA positions 1404 to 1411, 8 bases deleted (GGTCTGCG; older notation c.1404_1411delGGTCTGCG).
Protein change: p.Val469fs; shifts the reading frame from valine 469.
Molecular consequence: frameshift variant.
Genome position (GRCh38, 1-based): chr4:122,743,296-122,743,303, GGTCTGCG deleted; deleting any 8 consecutive bases within chr4:122,743,295-122,743,303 gives the same sequence; the c. name uses the placement nearest the transcript's 3' end. VCF-style (leftmost placement, unchanged base first): chr4-122743294-GGGGTCTGC-G. GRCh37 (hg19) VCF-style: chr4-123664449-GGGGTCTGC-G.
Other names: c.1404_1411del, p.Val469fs (NM_001178007.2); short protein forms V469fs.
Identifiers: ClinVar variation 5019480 (VCV005019480.2).

ClinVar aggregate classification (germline): Likely pathogenic (1 of 4 stars; one submission).

Conditions:
Bardet-Biedl syndrome 12 (BBS12). Identifiers: Orphanet 110, MedGen C1859570, MONDO:0014440, OMIM 615989.

Submission:

Juno Genomics, Hangzhou Juno Genomics, Inc
Classification: Likely pathogenic for Bardet-Biedl syndrome 12. Review status: criteria provided, single submitter. Criteria: ACMG Guidelines, 2015. Collection method: clinical testing. Allele origin: germline.
Comment: Absent from controls (or at extremely low frequency if recessive) in Genome Aggregation Database.;Null variant in a gene where loss of function (LOF) is a known mechanism of disease.